The following is an entry in ClinVar:

ClinVar aggregate classification (germline): Uncertain significance (1 of 4 stars; one submission).

Conditions:
Inflammatory bowel disease 25. Also called: Inflammatory bowel disease 25, early onset, autosomal recessive. Identifiers: Orphanet 238569, MedGen C2675508, MONDO:0012941, OMIM 612567.

Allele frequency attached by ClinVar (database versions not stated): gnomAD exomes below 0.00001; gnomAD 0.00001.
gnomAD v4.1: 4 of 1,613,860 alleles (0.00025%); highest among the groups gnomAD compares: Admixed American, 0.0017%; no homozygotes.

Submission:

Labcorp Genetics (formerly Invitae), Labcorp
Classification: Uncertain significance for Inflammatory bowel disease 25. Last evaluated: 2024-10-15. Review status: criteria provided, single submitter. Criteria: Invitae Variant Classification Sherloc (09022015). Collection method: clinical testing. Allele origin: germline.
Comment: This sequence change replaces threonine, which is neutral and polar, with isoleucine, which is neutral and non-polar, at codon 104 of the IL10RB protein (p.Thr104Ile). This variant is not present in population databases (gnomAD no frequency). This variant has not been reported in the literature in individuals affected with IL10RB-related conditions. ClinVar contains an entry for this variant (Variation ID: 1375692). Invitae Evidence Modeling of protein sequence and biophysical properties (such as structural, functional, and spatial information, amino acid conservation, physicochemical variation, residue mobility, and thermodynamic stability) indicates that this missense variant is not expected to disrupt IL10RB protein function with a negative predictive value of 80%. In summary, the available evidence is currently insufficient to determine the role of this variant in disease. Therefore, it has been classified as a Variant of Uncertain Significance.

NM_000628.5(IL10RB):c.311C>T (p.Thr104Ile)

Genes: IL10RB (interleukin 10 receptor subunit beta; plus strand), IFNAR2-IL10RB (IFNAR2-IL10RB readthrough; plus strand). Cytogenetic location: 21q22.11.
Variant type: single nucleotide variant.
Coding change: c.311C>T on transcript NM_000628.5 (MANE Select); coding-DNA position 311, C replaced by T.
Protein change: p.Thr104Ile; replaces threonine 104 with isoleucine.
Molecular consequence: missense variant.
Genome position (GRCh38, 1-based): chr21:33,276,733, C>T. VCF-style: chr21-33276733-C-T. GRCh37 (hg19) VCF-style: chr21-34649038-C-T.
Other names: short protein forms T104I.
Identifiers: ClinVar variation 1375692 (VCV001375692.6), dbSNP rs1989178743, ClinGen allele CA410109012.
Genomic context (GRCh38, chr21:33,276,733, plus strand): 5'-ACCACACCTTGAGAGTCAGGGCTGAATTTGCAGATGAGCATTCAGACTGGGTAAACATCA[C>T]CTTCTGTCCTGTGGATGACAGTAAGCCATTTTGTTTTCCCTTTTTTTGTAATGTCATCAT-3'
Protein context (NP_000619.3, residues 94-114): ADEHSDWVNI[Thr104Ile]FCPVDDTIIG